The following is an entry in ClinVar:

ClinVar aggregate classification (germline): Uncertain significance (1 of 4 stars; one submission).

Conditions:
Hereditary cancer-predisposing syndrome. Also called: Hereditary Cancer Syndrome; Neoplastic Syndromes, Hereditary; Tumor predisposition; Hereditary neoplastic syndrome. Identifiers: Orphanet 140162, MedGen C0027672, MeSH D009386, MONDO:0015356.

Submission:

Ambry Genetics
Classification: Uncertain significance for Hereditary cancer-predisposing syndrome. Last evaluated: 2026-06-24. Review status: criteria provided, single submitter. Criteria: Ambry Variant Classification Scheme 2023. Collection method: clinical testing. Allele origin: germline.
Comment: The p.T637I variant (also known as c.1910C>T), located in coding exon 10 of the ALK gene, results from a C to T substitution at nucleotide position 1910. The threonine at codon 637 is replaced by isoleucine, an amino acid with similar properties. This amino acid position is conserved. In addition, this alteration is predicted to be deleterious by in silico analysis. Based on the available evidence, the clinical significance of this variant remains unclear.

NM_004304.5(ALK):c.1910C>T (p.Thr637Ile)

Gene: ALK (ALK receptor tyrosine kinase; minus strand). Cytogenetic location: 2p23.2.
Variant type: single nucleotide variant.
Coding change: c.1910C>T on transcript NM_004304.5 (MANE Select); coding-DNA position 1910, C replaced by T.
Protein change: p.Thr637Ile; replaces threonine 637 with isoleucine.
Molecular consequence: missense variant.
Genome position (GRCh38, 1-based): chr2:29,275,404, G>A on the plus strand (C>T on the coding strand, the complement: ALK is on the minus strand). VCF-style: chr2-29275404-G-A. GRCh37 (hg19) VCF-style: chr2-29498270-G-A.
Other names: short protein forms T637I.
Identifiers: ClinVar variation 5035037 (VCV005035037.1).